The following is an entry in ClinVar:

NM_001614.5(ACTG1):c.39C>T (p.Gly13=)

Genes: ACTG1 (actin gamma 1; minus strand), LOC130061940 (ATAC-STARR-seq lymphoblastoid active region 12964; plus strand). Cytogenetic location: 17q25.3.
Variant type: single nucleotide variant.
Coding change: c.39C>T on transcript NM_001614.5 (MANE Select); coding-DNA position 39, C replaced by T.
Protein change: p.Gly13=; no amino-acid change (glycine 13 retained).
Molecular consequence: synonymous variant. On other transcripts: non-coding transcript variant (1).
Genome position (GRCh38, 1-based): chr17:81,512,316, G>A on the plus strand (C>T on the coding strand, the complement: ACTG1 is on the minus strand). VCF-style: chr17-81512316-G-A. GRCh37 (hg19) VCF-style: chr17-79479342-G-A.
Other names: c.39C>T, p.Gly13= (NM_001199954.3).
Identifiers: ClinVar variation 385516 (VCV000385516.45), dbSNP rs146865914, ClinGen allele CA8836414.
Genomic context (GRCh38, chr17:81,512,316, plus strand): 5'-GGAAGGAAACACGGCTCGGGGAGCGTCGTCCCCAGCAAAACCAGCTTTGCACATGCCGGA[G>A]CCATTGTCAATGACCAGCGCGGCGATCTCTTCTTCCATTGCGACCTGCCCGGAAAAGGAT-3'
Protein context (NP_001605.1, residues 3-23): EEIAALVIDN[Gly13=]SGMCKAGFAG

ClinVar aggregate classification (germline): Benign/Likely benign. Review status: criteria provided, multiple submitters, no conflicts (2 of 4 stars). 10 submissions from 9 submitters: Benign (4); Likely benign (3). 3 of the submissions do not count toward it. Last evaluated 2026-02-03.

Conditions:
Autosomal dominant nonsyndromic hearing loss 20. Identifiers: Orphanet 90635, MedGen C1858172, MONDO:0011480, OMIM 604717.
ACTG1-related disorder. Also called: ACTG1-related disorders; ACTG1-related condition.
Baraitser-winter syndrome 2. Identifiers: Orphanet 2995, MedGen C3281235, MONDO:0013812, OMIM 614583.

Allele frequency attached by ClinVar (database versions not stated): TOPMed 0.00078; gnomAD 0.00087 and 0.00089; gnomAD exomes 0.00095; ExAC 0.00102; ESP Exome Variant Server 0.00108; 1000 Genomes Project 0.00120; 1000 Genomes Project 30x 0.00172.
gnomAD v4.1: 1,772 of 1,613,970 alleles (0.11%); highest among the groups gnomAD compares: East Asian, 0.53%; 3 homozygotes.

Submissions (10):

Labcorp Genetics (formerly Invitae), Labcorp
Classification: Benign for Baraitser-winter syndrome 2; Autosomal dominant nonsyndromic hearing loss 20. Last evaluated: 2026-02-03. Review status: criteria provided, single submitter. Criteria: Invitae Variant Classification Sherloc (09022015). Collection method: clinical testing. Allele origin: germline.

CeGaT Center for Human Genetics Tuebingen
Classification: Likely benign. Last evaluated: 2025-06-01. Review status: criteria provided, single submitter. Criteria: CeGaT Center For Human Genetics Tuebingen Variant Classification Criteria Version 2. Collection method: clinical testing. Allele origin: germline. Affected: yes. Observed: 4 variant alleles.
Comment: ACTG1: BP4, BP7

Blueprint Genetics
Classification: Likely benign. Last evaluated: 2024-11-11. Review status: criteria provided, single submitter. Criteria: ACMG Guidelines, 2015. Collection method: clinical testing. Allele origin: germline.

Genome-Nilou Lab
Classification: Benign for Baraitser-winter syndrome 2. Last evaluated: 2021-12-05. Review status: criteria provided, single submitter. Criteria: ACMG Guidelines, 2015. Collection method: clinical testing. Allele origin: germline. Affected: no.

Genome-Nilou Lab
Classification: Benign for Autosomal dominant nonsyndromic hearing loss 20. Last evaluated: 2021-12-05. Review status: criteria provided, single submitter. Criteria: ACMG Guidelines, 2015. Collection method: clinical testing. Allele origin: germline. Affected: no.

GeneDx
Classification: Benign. Last evaluated: 2019-09-06. Review status: criteria provided, single submitter. Criteria: GeneDx Variant Classification Process June 2021. Collection method: clinical testing. Allele origin: germline. Affected: yes.
Comment: This variant is associated with the following publications: (PMID: 25186949)

Eurofins Ntd Llc (ga)
Classification: Likely benign. Last evaluated: 2017-02-22. Review status: criteria provided, single submitter. Criteria: EGL Classification Definitions 2015. Collection method: clinical testing. Allele origin: germline. Observed: 1 variant allele, 1 heterozygote.

PreventionGenetics, part of Exact Sciences
Classification: Likely benign for ACTG1-related condition. Last evaluated: 2019-05-06. Review status: no assertion criteria provided. Collection method: clinical testing. Allele origin: germline. Not counted in ClinVar's aggregate classification.
Comment: This variant is classified as likely benign based on ACMG/AMP sequence variant interpretation guidelines (Richards et al. 2015 PMID: 25741868, with internal and published modifications).

Clinical Genetics DNA and cytogenetics Diagnostics Lab, Erasmus MC, Erasmus Medical Center
Classification: Likely benign. Review status: no assertion criteria provided. Collection method: clinical testing. Allele origin: germline. Affected: yes. Study: VKGL Data-share Consensus. Not counted in ClinVar's aggregate classification.

Joint Genome Diagnostic Labs from Nijmegen and Maastricht, Radboudumc and MUMC+
Classification: Likely benign. Review status: no assertion criteria provided. Collection method: clinical testing. Allele origin: germline. Affected: yes. Study: VKGL Data-share Consensus. Not counted in ClinVar's aggregate classification.